The following is an entry in ClinVar:

NM_001042492.3(NF1):c.160G>T (p.Val54Phe)

Gene: NF1 (neurofibromin 1; plus strand). Cytogenetic location: 17q11.2.
Variant type: single nucleotide variant.
Coding change: c.160G>T on transcript NM_001042492.3 (MANE Select); coding-DNA position 160, G replaced by T.
Protein change: p.Val54Phe; replaces valine 54 with phenylalanine.
Molecular consequence: missense variant.
Genome position (GRCh38, 1-based): chr17:31,156,082, G>T. VCF-style: chr17-31156082-G-T. GRCh37 (hg19) VCF-style: chr17-29483100-G-T.
Other names: c.160G>T, p.Val54Phe (NM_000267.4, NM_001128147.3); short protein forms V54F.
Identifiers: ClinVar variation 404538 (VCV000404538.7), dbSNP rs1060500330, ClinGen allele CA16615542.

ClinVar aggregate classification (germline): Uncertain significance. Review status: criteria provided, multiple submitters, no conflicts (2 of 4 stars). 2 submissions from 2 submitters: Uncertain significance (2). Last evaluated 2023-03-24.

Conditions:
Neurofibromatosis, type 1 (NF1). Also called: Neurofibromatosis, type I; NEUROFIBROMATOSIS, TYPE I, SOMATIC; Peripheral type neurofibromatosis; VON RECKLINGHAUSEN DISEASE. Identifiers: Orphanet 636, MedGen C0027831, MONDO:0018975, OMIM 162200. Disease mechanism: loss of function.
Hereditary cancer-predisposing syndrome. Also called: Tumor predisposition; Neoplastic Syndromes, Hereditary; Hereditary Cancer Syndrome; Hereditary neoplastic syndrome. Identifiers: Orphanet 140162, MedGen C0027672, MeSH D009386, MONDO:0015356.
Cardiovascular phenotype. Identifiers: MedGen CN230736.

Submissions (3):

Ambry Genetics
Classification: Uncertain significance for Cardiovascular phenotype; Hereditary cancer-predisposing syndrome. Last evaluated: 2023-03-24. Review status: criteria provided, single submitter. Criteria: Ambry Variant Classification Scheme 2023. Collection method: clinical testing. Allele origin: germline.
Comment: The p.V54F variant (also known as c.160G>T), located in coding exon 2 of the NF1 gene, results from a G to T substitution at nucleotide position 160. The valine at codon 54 is replaced by phenylalanine, an amino acid with highly similar properties. This amino acid position is highly conserved in available vertebrate species. In addition, this alteration is predicted to be deleterious by in silico analysis. Since supporting evidence is limited at this time, the clinical significance of this alteration remains unclear.

Labcorp Genetics (formerly Invitae), Labcorp
Classification: Uncertain significance for Neurofibromatosis, type 1. Last evaluated: 2017-03-19. Review status: criteria provided, single submitter. Criteria: Invitae Variant Classification Sherloc (09022015). Collection method: clinical testing. Allele origin: germline.
Comment: In summary, this variant is a novel missense change with uncertain impact on protein function. It has been classified as a Variant of Uncertain Significance. Algorithms developed to predict the effect of missense changes on protein structure and function do not agree on the potential impact of this missense change (SIFT: "Deleterious"; PolyPhen-2: "Probably Damaging"; Align-GVGD: "Class C0"). This variant is not present in population databases (ExAC no frequency) and has not been reported in the literature in individuals with an NF1-related disease. This sequence change replaces valine with phenylalanine at codon 54 of the NF1 protein (p.Val54Phe). The valine residue is highly conserved and there is a small physicochemical difference between valine and phenylalanine.

Dr. Peter K. Rogan Lab, Western University
No classification provided (evidence only). Condition: Familial cancer of breast. Review status: no classification provided. Collection method: in vitro. Allele origin: not applicable. Functional consequence: retained intron. Not counted in ClinVar's aggregate classification.